The following is an entry in ClinVar:

NM_002474.3(MYH11):c.5786+6G>A

Genes: MYH11 (myosin heavy chain 11; minus strand), NDE1 (nudE neurodevelopment protein 1; plus strand). Cytogenetic location: 16p13.11.
Variant type: single nucleotide variant.
Coding change: c.5786+6G>A on transcript NM_002474.3 (MANE Select); 6 bases into the intron after coding-DNA position 5786, G replaced by A.
Molecular consequence: intron variant.
Genome position (GRCh38, 1-based): chr16:15,714,903, C>T on the plus strand (G>A on the coding strand, the complement: MYH11 is on the minus strand). VCF-style: chr16-15714903-C-T. GRCh37 (hg19) VCF-style: chr16-15808760-C-T.
Other names: c.948-9288C>T (NM_001143979.2, NM_017668.3); c.5786+6G>A (NM_022844.3); c.5807+6G>A (NM_001040114.2, NM_001040113.2).
Identifiers: ClinVar variation 3618791 (VCV003618791.2).

ClinVar aggregate classification (germline): Uncertain significance (1 of 4 stars; one submission).

Conditions:
Aortic aneurysm, familial thoracic 4 (AAT4). Also called: AORTIC ANEURYSM/AORTIC DISSECTION AND PATENT DUCTUS ARTERIOSUS. Identifiers: MedGen C1851504, MONDO:0007568, OMIM 132900.

gnomAD v4.1: 16 of 1,613,582 alleles (0.00099%); highest among the groups gnomAD compares: Non-Finnish European, 0.0013%; no homozygotes.

Submission:

Labcorp Genetics (formerly Invitae), Labcorp
Classification: Uncertain significance for Aortic aneurysm, familial thoracic 4. Last evaluated: 2024-09-04. Review status: criteria provided, single submitter. Criteria: Invitae Variant Classification Sherloc (09022015). Collection method: clinical testing. Allele origin: germline.
Comment: This sequence change falls in intron 41 of the MYH11 gene. It does not directly change the encoded amino acid sequence of the MYH11 protein. It affects a nucleotide within the consensus splice site. This variant is present in population databases (rs766417351, gnomAD 0.0009%). This variant has not been reported in the literature in individuals affected with MYH11-related conditions. Variants that disrupt the consensus splice site are a relatively common cause of aberrant splicing (PMID: 17576681, 9536098). Algorithms developed to predict the effect of sequence changes on RNA splicing suggest that this variant is not likely to affect RNA splicing. In summary, the available evidence is currently insufficient to determine the role of this variant in disease. Therefore, it has been classified as a Variant of Uncertain Significance.

Literature cited by the submitters: PubMed 17576681; PubMed 9536098.